The following is an entry in ClinVar:

NM_170601.5(SIAE):c.941G>A (p.Arg314His)

Gene: SIAE (sialic acid acetylesterase; minus strand). Cytogenetic location: 11q24.2.
Variant type: single nucleotide variant.
Coding change: c.941G>A on transcript NM_170601.5 (MANE Select); coding-DNA position 941, G replaced by A.
Protein change: p.Arg314His; replaces arginine 314 with histidine.
Molecular consequence: missense variant.
Genome position (GRCh38, 1-based): chr11:124,647,390, C>T on the plus strand (G>A on the coding strand, the complement: SIAE is on the minus strand). VCF-style: chr11-124647390-C-T. GRCh37 (hg19) VCF-style: chr11-124517286-C-T.
Other names: c.836G>A, p.Arg279His (NM_001199922.2); short protein forms R279H, R314H.
Identifiers: ClinVar variation 1407114 (VCV001407114.6), dbSNP rs147649509, ClinGen allele CA6341365.

ClinVar aggregate classification (germline): Uncertain significance (1 of 4 stars; one submission).

Allele frequency attached by ClinVar (database versions not stated): ESP Exome Variant Server 0.00008; gnomAD 0.00011 and 0.00013; TOPMed 0.00016; ExAC 0.00017; gnomAD exomes 0.00018; 1000 Genomes Project 0.00100; 1000 Genomes Project 30x 0.00109.
gnomAD v4.1: 200 of 1,614,170 alleles (0.012%); highest among the groups gnomAD compares: South Asian, 0.069%; 2 homozygotes.

Submission:

Labcorp Genetics (formerly Invitae), Labcorp
Classification: Uncertain significance. Last evaluated: 2025-12-19. Review status: criteria provided, single submitter. Criteria: Invitae Variant Classification Sherloc (09022015). Collection method: clinical testing. Allele origin: germline.
Comment: This sequence change replaces arginine, which is basic and polar, with histidine, which is basic and polar, at codon 314 of the SIAE protein (p.Arg314His). This variant is present in population databases (rs147649509, gnomAD 0.09%), and has an allele count higher than expected for a pathogenic variant. This missense change has been observed in individual(s) with autoimmune disease (PMID: 22200769). ClinVar contains an entry for this variant (Variation ID: 1407114). An algorithm developed to predict the effect of missense changes on protein structure and function (PolyPhen-2) suggests that this variant is likely to be tolerated. Experimental studies have shown that this missense change affects SIAE function (PMID: 20555325). In summary, the available evidence is currently insufficient to determine the role of this variant in disease. Therefore, it has been classified as a Variant of Uncertain Significance.

Literature cited by the submitters: PubMed 22200769; PubMed 20555325.